The following is an entry in ClinVar:

ClinVar aggregate classification (germline): Uncertain significance (1 of 4 stars; one submission).

Allele frequency attached by ClinVar (database versions not stated): gnomAD exomes below 0.00001.
gnomAD v4.1: 2 of 1,613,418 alleles (0.00012%); highest among the groups gnomAD compares: South Asian, 0.0011%; no homozygotes.

Submission:

GeneDx
Classification: Uncertain significance. Last evaluated: 2019-02-13. Review status: criteria provided, single submitter. Criteria: GeneDx Variant Classification Process June 2021. Collection method: clinical testing. Allele origin: germline. Affected: yes.
Comment: Not observed in large population cohorts (Lek et al., 2016); In silico analysis, which includes protein predictors and evolutionary conservation, supports that this variant does not alter protein structure/function; Has not been previously published as pathogenic or benign to our knowledge

NM_001673.5(ASNS):c.703C>T (p.Leu235Phe)

Genes: ASNS (asparagine synthetase (glutamine-hydrolyzing); minus strand), CZ1P-ASNS (CZ1P-ASNS readthrough; minus strand). Cytogenetic location: 7q21.3.
Variant type: single nucleotide variant.
Coding change: c.703C>T on transcript NM_001673.5 (MANE Select); coding-DNA position 703, C replaced by T.
Protein change: p.Leu235Phe; replaces leucine 235 with phenylalanine.
Molecular consequence: missense variant. On other transcripts: non-coding transcript variant (1).
Genome position (GRCh38, 1-based): chr7:97,858,926, G>A on the plus strand (C>T on the coding strand, the complement: ASNS is on the minus strand). VCF-style: chr7-97858926-G-A. GRCh37 (hg19) VCF-style: chr7-97488238-G-A.
Other names: c.640C>T, p.Leu214Phe (NM_001178075.2); c.454C>T, p.Leu152Phe (NM_001178076.2, NM_001178077.1); c.703C>T, p.Leu235Phe (NM_001352496.2, NM_133436.3, NM_183356.4); short protein forms L152F, L214F, L235F.
Identifiers: ClinVar variation 1305356 (VCV001305356.2), dbSNP rs2115655166, ClinGen allele CA368268806.